The following is an entry in ClinVar:

ClinVar aggregate classification (germline): Benign/Likely benign. Review status: criteria provided, multiple submitters, no conflicts (2 of 4 stars). 12 submissions from 11 submitters: Benign (9); Likely benign (3). Last evaluated 2026-02-01.

Conditions:
Fetal akinesia-cerebral and retinal hemorrhage syndrome. Also called: MYOPATHY, CENTRONUCLEAR, LETHAL, AUTOSOMAL RECESSIVE; Lethal congenital contracture syndrome 5. Identifiers: Orphanet 363409, MedGen C4706410, MONDO:0014149, OMIM 615368.
Charcot-Marie-Tooth disease dominant intermediate B (CMTDIB). Also called: CHARCOT-MARIE-TOOTH NEUROPATHY, DOMINANT INTERMEDIATE B; Charcot-Marie-Tooth disease dominant intermediate 1; CMT DI1; Charcot-Marie-Tooth disease dominant intermediate I. Identifiers: Orphanet 100044, Orphanet 228179, MedGen C1847902, MONDO:0011674, OMIM 606482.
Autosomal dominant centronuclear myopathy. Also called: MYOTUBULAR MYOPATHY, AUTOSOMAL DOMINANT; Myopathy, centronuclear, 3. Identifiers: Orphanet 169189, MedGen C4551952, MeSH D020914, MONDO:0008048, OMIM 160150.
Inborn genetic diseases. Identifiers: MedGen C0950123, MeSH D030342.

Allele frequency attached by ClinVar (database versions not stated): ESP Exome Variant Server 0.00100; gnomAD exomes 0.00151 and 0.00160; ExAC 0.00156; gnomAD 0.00163; 1000 Genomes Project 30x 0.00172; 1000 Genomes Project 0.00200; TOPMed 0.00130.
gnomAD v4.1: 2,413 of 1,613,804 alleles (0.15%); highest among the groups gnomAD compares: East Asian, 1.7%; 13 homozygotes.

Submissions (12):

Labcorp Genetics (formerly Invitae), Labcorp
Classification: Benign for Charcot-Marie-Tooth disease dominant intermediate B. Last evaluated: 2026-02-01. Review status: criteria provided, single submitter. Criteria: Invitae Variant Classification Sherloc (09022015). Collection method: clinical testing. Allele origin: germline.

Blueprint Genetics
Classification: Likely benign. Last evaluated: 2024-10-08. Review status: criteria provided, single submitter. Criteria: ACMG Guidelines, 2015. Collection method: clinical testing. Allele origin: germline.

CeGaT Center for Human Genetics Tuebingen
Classification: Benign. Last evaluated: 2024-02-01. Review status: criteria provided, single submitter. Criteria: CeGaT Center For Human Genetics Tuebingen Variant Classification Criteria Version 2. Collection method: clinical testing. Allele origin: germline. Affected: yes. Observed: 3 variant alleles.
Comment: DNM2: BP4, BP7, BS1, BS2

Fulgent Genetics
Classification: Likely benign for Autosomal dominant centronuclear myopathy; Charcot-Marie-Tooth disease dominant intermediate B; Fetal akinesia-cerebral and retinal hemorrhage syndrome. Last evaluated: 2022-02-25. Review status: criteria provided, single submitter. Criteria: ACMG Guidelines, 2015. Collection method: clinical testing. Allele origin: unknown.

Athena Diagnostics
Classification: Benign. Last evaluated: 2021-06-07. Review status: criteria provided, single submitter. Criteria: Athena Diagnostics criteria. Collection method: clinical testing. Allele origin: unknown.

Ambry Genetics
Classification: Likely benign for Inborn genetic diseases. Last evaluated: 2019-07-11. Review status: criteria provided, single submitter. Criteria: Ambry Variant Classification Scheme 2023. Collection method: clinical testing. Allele origin: germline.

Illumina Laboratory Services, Illumina
Classification: Benign for Autosomal dominant centronuclear myopathy. Last evaluated: 2018-01-12. Review status: criteria provided, single submitter. Criteria: ICSL Variant Classification Criteria 13 December 2019. Collection method: clinical testing. Allele origin: germline.
Comment: This variant was observed in the ICSL laboratory as part of a predisposition screen in an ostensibly healthy population. It had not been previously curated by ICSL or reported in the Human Gene Mutation Database (HGMD: prior to June 1st, 2018), and was therefore a candidate for classification through an automated scoring system. Utilizing variant allele frequency, disease prevalence and penetrance estimates, and inheritance mode, an automated score was calculated to assess if this variant is too frequent to cause the disease. Based on the score and internal cut-off values, a variant classified as benign is not then subjected to further curation. The score for this variant resulted in a classification of benign for this disease.

Illumina Laboratory Services, Illumina
Classification: Benign for Charcot-Marie-Tooth disease dominant intermediate B. Last evaluated: 2018-01-12. Review status: criteria provided, single submitter. Criteria: ICSL Variant Classification Criteria 13 December 2019. Collection method: clinical testing. Allele origin: germline.
Comment: the same text as in the submission from Illumina Laboratory Services, Illumina above.

Mayo Clinic Laboratories, Mayo Clinic
Classification: Benign. Last evaluated: 2017-04-19. Review status: criteria provided, single submitter. Criteria: ACMG Guidelines, 2015. Collection method: clinical testing. Allele origin: germline. Observed: 10 variant alleles.

GeneDx
Classification: Benign. Last evaluated: 2016-01-06. Review status: criteria provided, single submitter. Criteria: GeneDx Variant Classification (06012015). Collection method: clinical testing. Allele origin: germline. Affected: yes.
Comment: This variant is considered likely benign or benign based on one or more of the following criteria: it is a conservative change, it occurs at a poorly conserved position in the protein, it is predicted to be benign by multiple in silico algorithms, and/or has population frequency not consistent with disease.

Breakthrough Genomics
Classification: Benign. Review status: criteria provided, single submitter. Criteria: ACMG Guidelines, 2015. Collection method: not provided. Allele origin: germline. Inheritance: Autosomal recessive inheritance. Affected: yes.

PreventionGenetics, part of Exact Sciences
Classification: Benign. Review status: criteria provided, single submitter. Criteria: ACMG Guidelines, 2015. Collection method: clinical testing. Allele origin: germline.

Literature cited by the submitters: PubMed 27698851 (cited by Athena Diagnostics); PubMed 30103202 (cited by Athena Diagnostics).

NM_001005361.3(DNM2):c.2160C>T (p.Asp720=)

Gene: DNM2 (dynamin 2; plus strand). Cytogenetic location: 19p13.2.
Variant type: single nucleotide variant.
Coding change: c.2160C>T on transcript NM_001005361.3 (MANE Select); coding-DNA position 2160, C replaced by T.
Protein change: p.Asp720=; no amino-acid change (aspartic acid 720 retained).
Molecular consequence: synonymous variant.
Genome position (GRCh38, 1-based): chr19:10,829,137, C>T. VCF-style: chr19-10829137-C-T. GRCh37 (hg19) VCF-style: chr19-10939813-C-T.
Other names: p.Asp720=; c.2160C>T, p.Asp720= (NM_001005360.3, NM_001190716.2); c.2148C>T, p.Asp716= (NM_001005362.3, NM_004945.4).
Identifiers: ClinVar variation 238207 (VCV000238207.47), dbSNP rs117598326, ClinGen allele CA9201538.